The following is an entry in ClinVar:

ClinVar aggregate classification (germline): Uncertain significance (1 of 4 stars; one submission).

Submission:

Ambry Genetics
Classification: Uncertain significance. Last evaluated: 2025-08-30. Review status: criteria provided, single submitter. Criteria: Ambry Variant Classification Scheme 2023. Collection method: clinical testing. Allele origin: germline.
Comment: The p.L197P variant (also known as c.590T>C), located in coding exon 5 of the RINT1 gene, results from a T to C substitution at nucleotide position 590. The leucine at codon 197 is replaced by proline, an amino acid with similar properties. This amino acid position is conserved. In addition, the in silico prediction for this alteration is inconclusive. Based on the available evidence, the clinical significance of this variant remains unclear.

NM_021930.6(RINT1):c.590T>C (p.Leu197Pro)

Gene: RINT1 (RAD50 interactor 1; plus strand). Cytogenetic location: 7q22.3.
Variant type: single nucleotide variant.
Coding change: c.590T>C on transcript NM_021930.6 (MANE Select); coding-DNA position 590, T replaced by C.
Protein change: p.Leu197Pro; replaces leucine 197 with proline.
Molecular consequence: missense variant. On other transcripts: 5 prime UTR variant (2), non-coding transcript variant (1), intron variant (1).
Genome position (GRCh38, 1-based): chr7:105,546,984, T>C. VCF-style: chr7-105546984-T-C. GRCh37 (hg19) VCF-style: chr7-105187431-T-C.
Other names: c.356T>C, p.Leu119Pro (NM_001346599.2); c.-430T>C (NM_001346600.2); c.-333T>C (NM_001346601.2); c.-27-3071T>C (NM_001346603.2); short protein forms L197P, L119P.
Identifiers: ClinVar variation 4154589 (VCV004154589.1).
Genomic context (GRCh38, chr7:105,546,984, plus strand): 5'-AATATCTGATGACCAATAATGTACCGGAGGCAGCCTCCACTCTAGTGTCTATGGCAGAAC[T>C]TGACATTAAACTTCAGGAATCATCTTGTACTCATCTTCTTGGTTTCATGAGAGCCACAGT-3'
Protein context (NP_068749.3, residues 187-207): AASTLVSMAE[Leu197Pro]DIKLQESSCT